The following is an entry in ClinVar:

NM_000601.6(HGF):c.1832G>C (p.Ser611Thr)

Gene: HGF (hepatocyte growth factor; minus strand). Cytogenetic location: 7q21.11.
Variant type: single nucleotide variant.
Coding change: c.1832G>C on transcript NM_000601.6 (MANE Select); coding-DNA position 1832, G replaced by C.
Protein change: p.Ser611Thr; replaces serine 611 with threonine.
Molecular consequence: missense variant.
Genome position (GRCh38, 1-based): chr7:81,705,679, C>G on the plus strand (G>C on the coding strand, the complement: HGF is on the minus strand). VCF-style: chr7-81705679-C-G. GRCh37 (hg19) VCF-style: chr7-81334995-C-G.
Other names: c.1817G>C, p.Ser606Thr (NM_001010932.3); short protein forms S611T, S606T.
Identifiers: ClinVar variation 194607 (VCV000194607.10), dbSNP rs141774517, ClinGen allele CA240673.

ClinVar aggregate classification (germline): Conflicting classifications of pathogenicity. Review status: criteria provided, conflicting classifications (1 of 4 stars). 3 submissions from 3 submitters: Uncertain significance (2); Likely benign (1). Last evaluated 2024-10-28.

Allele frequency attached by ClinVar (database versions not stated): ExAC 0.00007; gnomAD 0.00007; gnomAD exomes 0.00007; ESP Exome Variant Server 0.00008; TOPMed 0.00011.
gnomAD v4.1: 270 of 1,612,020 alleles (0.017%); highest among the groups gnomAD compares: Non-Finnish European, 0.022%; 1 homozygote.

Submissions (3):

Labcorp Genetics (formerly Invitae), Labcorp
Classification: Uncertain significance. Last evaluated: 2024-10-28. Review status: criteria provided, single submitter. Criteria: Invitae Variant Classification Sherloc (09022015). Collection method: clinical testing. Allele origin: germline.
Comment: This sequence change replaces serine, which is neutral and polar, with threonine, which is neutral and polar, at codon 611 of the HGF protein (p.Ser611Thr). This variant is present in population databases (rs141774517, gnomAD 0.01%). This variant has not been reported in the literature in individuals affected with HGF-related conditions. ClinVar contains an entry for this variant (Variation ID: 194607). An algorithm developed to predict the effect of missense changes on protein structure and function outputs the following: PolyPhen-2: "Benign". The threonine amino acid residue is found in multiple mammalian species, which suggests that this missense change does not adversely affect protein function. In summary, the available evidence is currently insufficient to determine the role of this variant in disease. Therefore, it has been classified as a Variant of Uncertain Significance.

Laboratory for Molecular Medicine, Mass General Brigham Personalized Medicine
Classification: Likely benign. Last evaluated: 2015-02-26. Review status: criteria provided, single submitter. Criteria: LMM Criteria. Collection method: clinical testing. Allele origin: germline. Observed: 1 variant allele.
Comment: p.Ser611Thr in exon 16 of HGF: This variant is not expected to have clinical sig nificance due to a lack of conservation across species, including mammals. Of no te, >40 mammals have a threonine (Thr) at this position despite high nearby amin o acid conservation. In addition, computational prediction tools do not suggest a high likelihood of impact to the protein. It has also been identified in 6/662 46 of European chromosomes by the Exome Aggregation Consortium (ExAC; dbSNP rs141774517).

Eurofins Ntd Llc (ga)
Classification: Uncertain significance. Last evaluated: 2015-02-11. Review status: criteria provided, single submitter. Criteria: EGL Classification Definitions 2015. Collection method: clinical testing. Allele origin: germline. Observed: 2 variant alleles, 2 heterozygotes.